The following is an entry in ClinVar:

NM_001042681.2(RERE):c.2792C>T (p.Pro931Leu)

Gene: RERE (arginine-glutamic acid dipeptide repeats; minus strand). Cytogenetic location: 1p36.23.
Variant type: single nucleotide variant.
Coding change: c.2792C>T on transcript NM_001042681.2 (MANE Select); coding-DNA position 2792, C replaced by T.
Protein change: p.Pro931Leu; replaces proline 931 with leucine.
Molecular consequence: missense variant.
Genome position (GRCh38, 1-based): chr1:8,360,715, G>A on the plus strand (C>T on the coding strand, the complement: RERE is on the minus strand). VCF-style: chr1-8360715-G-A. GRCh37 (hg19) VCF-style: chr1-8420775-G-A.
Other names: c.1130C>T, p.Pro377Leu (NM_001042682.2); c.2792C>T, p.Pro931Leu (NM_012102.4); short protein forms P377L, P931L.
Identifiers: ClinVar variation 1309691 (VCV001309691.2), dbSNP rs1466398738, ClinGen allele CA338171895.

ClinVar aggregate classification (germline): Uncertain significance (1 of 4 stars; one submission).

Allele frequency attached by ClinVar (database versions not stated): gnomAD exomes below 0.00001; TOPMed 0.00001.
gnomAD v4.1: 6 of 1,582,890 alleles (0.00038%); highest among the groups gnomAD compares: African/African-American, 0.0014%; no homozygotes.

Submission:

GeneDx
Classification: Uncertain significance. Last evaluated: 2019-10-30. Review status: criteria provided, single submitter. Criteria: GeneDx Variant Classification Process June 2021. Collection method: clinical testing. Allele origin: germline. Affected: yes.
Comment: In silico analysis, which includes protein predictors and evolutionary conservation, supports a deleterious effect; Has not been previously published as pathogenic or benign to our knowledge